The following is an entry in ClinVar:

ClinVar aggregate classification (germline): Uncertain significance (1 of 4 stars; one submission).

Conditions:
Aortic aneurysm, familial thoracic 4 (AAT4). Also called: AORTIC ANEURYSM/AORTIC DISSECTION AND PATENT DUCTUS ARTERIOSUS. Identifiers: MedGen C1851504, MONDO:0007568, OMIM 132900.

Submission:

Labcorp Genetics (formerly Invitae), Labcorp
Classification: Uncertain significance for Aortic aneurysm, familial thoracic 4. Last evaluated: 2025-08-11. Review status: criteria provided, single submitter. Criteria: Invitae Variant Classification Sherloc (09022015). Collection method: clinical testing. Allele origin: germline.
Comment: This sequence change replaces glutamic acid, which is acidic and polar, with glycine, which is neutral and non-polar, at codon 1919 of the MYH11 protein (p.Glu1919Gly). This variant is not present in population databases (gnomAD no frequency). This variant has not been reported in the literature in individuals affected with MYH11-related conditions. Invitae Evidence Modeling of protein sequence and biophysical properties (such as structural, functional, and spatial information, amino acid conservation, physicochemical variation, residue mobility, and thermodynamic stability) indicates that this missense variant is not expected to disrupt MYH11 protein function with a negative predictive value of 95%. In summary, the available evidence is currently insufficient to determine the role of this variant in disease. Therefore, it has been classified as a Variant of Uncertain Significance.

NM_002474.3(MYH11):c.5735A>G (p.Glu1912Gly)

Genes: NDE1 (nudE neurodevelopment protein 1; plus strand), MYH11 (myosin heavy chain 11; minus strand). Cytogenetic location: 16p13.11.
Variant type: single nucleotide variant.
Coding change: c.5735A>G on transcript NM_002474.3 (MANE Select); coding-DNA position 5735, A replaced by G.
Protein change: p.Glu1912Gly; replaces glutamic acid 1912 with glycine.
Molecular consequence: missense variant. On other transcripts: intron variant (2).
Genome position (GRCh38, 1-based): chr16:15,714,960, T>C on the plus strand (A>G on the coding strand, the complement: MYH11 is on the minus strand). VCF-style: chr16-15714960-T-C. GRCh37 (hg19) VCF-style: chr16-15808817-T-C.
Other names: c.5756A>G, p.Glu1919Gly (NM_001040113.2, NM_001040114.2); c.5735A>G, p.Glu1912Gly (NM_022844.3); c.948-9231T>C (NM_001143979.2, NM_017668.3); short protein forms E1912G, E1919G.
Identifiers: ClinVar variation 4745859 (VCV004745859.1).